The following is an entry in ClinVar:

ClinVar aggregate classification (germline): Uncertain significance (1 of 4 stars; one submission).

Submission:

Labcorp Genetics (formerly Invitae), Labcorp
Classification: Uncertain significance. Last evaluated: 2024-12-16. Review status: criteria provided, single submitter. Criteria: Invitae Variant Classification Sherloc (09022015). Collection method: clinical testing. Allele origin: germline.
Comment: This sequence change replaces leucine, which is neutral and non-polar, with phenylalanine, which is neutral and non-polar, at codon 348 of the PDE6C protein (p.Leu348Phe). This variant is not present in population databases (gnomAD no frequency). This variant has not been reported in the literature in individuals affected with PDE6C-related conditions. ClinVar contains an entry for this variant (Variation ID: 2069757). Invitae Evidence Modeling of protein sequence and biophysical properties (such as structural, functional, and spatial information, amino acid conservation, physicochemical variation, residue mobility, and thermodynamic stability) has been performed for this missense variant. However, the output from this modeling did not meet the statistical confidence thresholds required to predict the impact of this variant on PDE6C protein function. In summary, the available evidence is currently insufficient to determine the role of this variant in disease. Therefore, it has been classified as a Variant of Uncertain Significance.

NM_006204.4(PDE6C):c.1044G>T (p.Leu348Phe)

Gene: PDE6C (phosphodiesterase 6C; plus strand). Cytogenetic location: 10q23.33.
Variant type: single nucleotide variant.
Coding change: c.1044G>T on transcript NM_006204.4 (MANE Select); coding-DNA position 1044, G replaced by T.
Protein change: p.Leu348Phe; replaces leucine 348 with phenylalanine.
Molecular consequence: missense variant.
Genome position (GRCh38, 1-based): chr10:93,626,844, G>T. VCF-style: chr10-93626844-G-T. GRCh37 (hg19) VCF-style: chr10-95386601-G-T.
Other names: short protein forms L348F.
Identifiers: ClinVar variation 2069757 (VCV002069757.4), dbSNP rs2492513972, ClinGen allele CA377632159.
Genomic context (GRCh38, chr10:93,626,844, plus strand): 5'-TTTTTTCTTCTCTTCCCCAAGGACGCCTCCTGCAGACCACTGGACACTCATTAGTGGGTT[G>T]CCAACATATGTTGCTGAAAATGGATTTGTAAGTTATTGAACAAATTCAAATTTTAAATAA-3'
Protein context (NP_006195.3, residues 338-358): PADHWTLISG[Leu348Phe]PTYVAENGFI